The following is an entry in ClinVar:

ClinVar aggregate classification (germline): Uncertain significance. Review status: criteria provided, multiple submitters, no conflicts (2 of 4 stars). 4 submissions from 3 submitters: Uncertain significance (4). Last evaluated 2022-03-15.

Conditions:
Autosomal dominant nocturnal frontal lobe epilepsy 5. Also called: Epilepsy, nocturnal frontal lobe, 5; CILIARY DYSKINESIA, PRIMARY, 28, WITHOUT SITUS INVERSUS; CILIARY DYSKINESIA, PRIMARY, 28, WITH SITUS INVERSUS; KCNT1-Related Epilepsy. Identifiers: Orphanet 98784, MedGen C3554306, MONDO:0014002, OMIM 615005.
Developmental and epileptic encephalopathy, 14 (DEE14). Also called: Early infantile epileptic encephalopathy 14. Identifiers: Orphanet 293181, MedGen C3554195, MONDO:0013989, OMIM 614959.

Allele frequency attached by ClinVar (database versions not stated): gnomAD 0.00001; TOPMed 0.00003.
gnomAD v4.1: 5 of 1,574,548 alleles (0.00032%); no homozygotes.

Submissions (4):

Genome-Nilou Lab
Classification: Uncertain significance for Developmental and epileptic encephalopathy, 14. Last evaluated: 2022-03-15. Review status: criteria provided, single submitter. Criteria: ACMG Guidelines, 2015. Collection method: clinical testing. Allele origin: germline. Affected: no.

Genome-Nilou Lab
Classification: Uncertain significance for Autosomal dominant nocturnal frontal lobe epilepsy 5. Last evaluated: 2022-03-15. Review status: criteria provided, single submitter. Criteria: ACMG Guidelines, 2015. Collection method: clinical testing. Allele origin: germline. Affected: no.

New York Genome Center
Classification: Uncertain significance for Developmental and epileptic encephalopathy, 14. Last evaluated: 2020-05-21. Review status: criteria provided, single submitter. Criteria: NYGC Assertion Criteria 2020. Collection method: clinical testing. Allele origin: inherited. Observed: 1 heterozygote. Study: CSER-NYCKidSeq.

Labcorp Genetics (formerly Invitae), Labcorp
Classification: Uncertain significance for Autosomal dominant nocturnal frontal lobe epilepsy 5; Developmental and epileptic encephalopathy, 14. Last evaluated: 2018-04-26. Review status: criteria provided, single submitter. Criteria: Invitae Variant Classification Sherloc (09022015). Collection method: clinical testing. Allele origin: germline.
Comment: In summary, the available evidence is currently insufficient to determine the role of this variant in disease. Therefore, it has been classified as a Variant of Uncertain Significance. Algorithms developed to predict the effect of sequence changes on RNA splicing suggest that this variant may create or strengthen a splice site, but this prediction has not been confirmed by published transcriptional studies. Algorithms developed to predict the effect of missense changes on protein structure and function output the following: SIFT: "Tolerated"; PolyPhen-2: "Benign"; Align-GVGD: "Class C0". The valine amino acid residue is found in multiple mammalian species, suggesting that this missense change does not adversely affect protein function. These predictions have not been confirmed by published functional studies and their clinical significance is uncertain. This variant has not been reported in the literature in individuals with KCNT1-related disease. While this variant is not present in population databases, the frequency information is unreliable, as metrics indicate poor data quality at this position in the ExAC database. This sequence change replaces alanine with valine at codon 1124 of the KCNT1 protein (p.Ala1124Val). The alanine residue is weakly conserved and there is a small physicochemical difference between alanine and valine.

NM_020822.3(KCNT1):c.3371C>T (p.Ala1124Val)

Gene: KCNT1 (potassium sodium-activated channel subfamily T member 1; plus strand). Cytogenetic location: 9q34.3.
Variant type: single nucleotide variant.
Coding change: c.3371C>T on transcript NM_020822.3 (MANE Select); coding-DNA position 3371, C replaced by T.
Protein change: p.Ala1124Val; replaces alanine 1124 with valine.
Molecular consequence: missense variant.
Genome position (GRCh38, 1-based): chr9:135,786,390, C>T. VCF-style: chr9-135786390-C-T. GRCh37 (hg19) VCF-style: chr9-138678236-C-T.
Other names: c.3236C>T, p.Ala1079Val (NM_001272003.2); short protein forms A1124V, A1079V.
Identifiers: ClinVar variation 579353 (VCV000579353.11), dbSNP rs1381344367, ClinGen allele CA375491866.
Genomic context (GRCh38, chr9:135,786,390, plus strand): 5'-TGCTACGGCGCAAGAGCCTGCAGTGGGCCCGGAGGCTGAGCCGCAAGGCGCCCAAGCAGG[C>T]AGGCCGGGCGGCGGCCGCGGAGTGGATCAGCCAGCAGCGCCTCAGCCTGTACCGGCGCTC-3'
Protein context (NP_065873.2, residues 1114-1134): RRLSRKAPKQ[Ala1124Val]GRAAAAEWIS